The following is an entry in ClinVar:

ClinVar aggregate classification (germline): Uncertain significance (1 of 4 stars; one submission).

Conditions:
Dilated cardiomyopathy 1DD (CMD1DD). Identifiers: Orphanet 154, MedGen C2750995, MONDO:0013168, OMIM 613172.

Submission:

Labcorp Genetics (formerly Invitae), Labcorp
Classification: Uncertain significance for Dilated cardiomyopathy 1DD. Last evaluated: 2024-10-15. Review status: criteria provided, single submitter. Criteria: Invitae Variant Classification Sherloc (09022015). Collection method: clinical testing. Allele origin: germline.
Comment: This sequence change replaces glycine, which is neutral and non-polar, with valine, which is neutral and non-polar, at codon 1031 of the RBM20 protein (p.Gly1031Val). This variant is present in population databases (rs763099441, gnomAD 0.002%). This variant has not been reported in the literature in individuals affected with RBM20-related conditions. Invitae Evidence Modeling of protein sequence and biophysical properties (such as structural, functional, and spatial information, amino acid conservation, physicochemical variation, residue mobility, and thermodynamic stability) indicates that this missense variant is not expected to disrupt RBM20 protein function with a negative predictive value of 95%. In summary, the available evidence is currently insufficient to determine the role of this variant in disease. Therefore, it has been classified as a Variant of Uncertain Significance.

NM_001134363.3(RBM20):c.3092G>T (p.Gly1031Val)

Gene: RBM20 (RNA binding motif protein 20; plus strand). Cytogenetic location: 10q25.2.
Variant type: single nucleotide variant.
Coding change: c.3092G>T on transcript NM_001134363.3 (MANE Select); coding-DNA position 3092, G replaced by T.
Protein change: p.Gly1031Val; replaces glycine 1031 with valine.
Molecular consequence: missense variant.
Genome position (GRCh38, 1-based): chr10:110,821,711, G>T. VCF-style: chr10-110821711-G-T. GRCh37 (hg19) VCF-style: chr10-112581469-G-T.
Other names: short protein forms G1031V.
Identifiers: ClinVar variation 3622876 (VCV003622876.2).